The following is an entry in ClinVar:

NM_005359.6(SMAD4):c.733C>T (p.Gln245Ter)

Gene: SMAD4 (SMAD family member 4; plus strand). Cytogenetic location: 18q21.2.
Variant type: single nucleotide variant.
Coding change: c.733C>T on transcript NM_005359.6 (MANE Select); coding-DNA position 733, C replaced by T.
Protein change: p.Gln245Ter; replaces glutamine 245 with a stop codon.
Molecular consequence: nonsense.
Genome position (GRCh38, 1-based): chr18:51,058,190, C>T. VCF-style: chr18-51058190-C-T. GRCh37 (hg19) VCF-style: chr18-48584560-C-T.
Other names: c.733C>T (NM_005359.5); short protein forms Q245*.
Identifiers: ClinVar variation 1050635 (VCV001050635.2), dbSNP rs2144427253, ClinGen allele CA402462883.
Genomic context (GRCh38, chr18:51,058,190, plus strand): 5'-CCTGCCAGTATACTGGGGGGCAGCCATAGTGAAGGACTGTTGCAGATAGCATCAGGGCCT[C>T]AGCCAGGACAGCAGCAGAATGGATTTACTGGTCAGCCAGCTACTTACCATCATAGTATGT-3'

ClinVar aggregate classification (germline): Pathogenic. Review status: criteria provided, single submitter (1 of 4 stars). 2 submissions from 2 submitters: Pathogenic (1). 1 of the submissions does not count toward it. Last evaluated 2026-04-09.

Conditions:
Familial thoracic aortic aneurysm and aortic dissection (TAAD). Also called: Thoracic aortic aneurysms and dissections. Identifiers: Orphanet 91387, MedGen C4707243, MONDO:0019625.
Hereditary cancer-predisposing syndrome. Also called: Hereditary neoplastic syndrome; Neoplastic Syndromes, Hereditary; Tumor predisposition; Hereditary Cancer Syndrome. Identifiers: Orphanet 140162, MedGen C0027672, MeSH D009386, MONDO:0015356.
Carcinoma of colon (CRC). Also called: Colonic carcinoma; Colon carcinoma. Identifiers: MedGen C0699790, MONDO:0002032.

Allele frequency attached by ClinVar (database versions not stated): gnomAD exomes below 0.00001.
gnomAD v4.1: 1 of 1,614,180 alleles (0.000062%); highest among the groups gnomAD compares: Non-Finnish European, 0.000085%; no homozygotes.

Submissions (2):

Ambry Genetics
Classification: Pathogenic for Hereditary cancer-predisposing syndrome; Familial thoracic aortic aneurysm and aortic dissection. Last evaluated: 2026-04-09. Review status: criteria provided, single submitter. Criteria: Ambry Variant Classification Scheme 2023. Collection method: clinical testing. Allele origin: germline.
Comment: The p.Q245* pathogenic mutation (also known as c.733C>T), located in coding exon 5 of the SMAD4 gene, results from a C to T substitution at nucleotide position 733. This changes the amino acid from a glutamine to a stop codon within coding exon 5. This variant is considered to be rare based on population cohorts in the Genome Aggregation Database (gnomAD). This alteration is expected to result in loss of function by premature protein truncation or nonsense-mediated mRNA decay. As such, this alteration is interpreted as a disease-causing mutation.

Department of Pathology and Laboratory Medicine, Sinai Health System
Classification: Pathogenic for Carcinoma of colon. Review status: no assertion criteria provided. Collection method: clinical testing. Allele origin: unknown. Affected: yes. Study: The Canadian Open Genetics Repository (COGR). Not counted in ClinVar's aggregate classification.
Comment: The SMAD4 p.Gln245X variant was not identified in the literature nor was it identified in the following databases: dbSNP, ClinVar, Clinvitae, LOVD 3.0. The variant was identified in Cosmic database. It was not identified in the 1000 Genomes Project, the NHLBI GO Exome Sequencing Project, the Exome Aggregation Consortium (August 8th 2016), or the Genome Aggregation Database (Feb 27, 2017). The p.Gln245X variant leads to a premature stop codon at position 245 which is predicted to lead to a truncated or absent protein and loss of function. Loss of function variants of the SMAD4 gene are an established mechanism of disease in SMAD4 associated cancers and is the type of variant expected to cause the disorder. In summary, based on the above information this variant meets our laboratoryâ€šÃ„Ã´s criteria to be classified as pathogenic.